The following is an entry in ClinVar:

NM_001127208.3(TET2):c.2551C>T (p.Pro851Ser)

Genes: TET2 (tet methylcytosine dioxygenase 2; plus strand), TET2-AS1 (TET2 antisense RNA 1; minus strand). Cytogenetic location: 4q24.
Variant type: single nucleotide variant.
Coding change: c.2551C>T on transcript NM_001127208.3 (MANE Select); coding-DNA position 2551, C replaced by T.
Protein change: p.Pro851Ser; replaces proline 851 with serine.
Molecular consequence: missense variant.
Genome position (GRCh38, 1-based): chr4:105,236,493, C>T. VCF-style: chr4-105236493-C-T. GRCh37 (hg19) VCF-style: chr4-106157650-C-T.
Other names: c.2551C>T, p.Pro851Ser (NM_017628.4); short protein forms P851S.
Identifiers: ClinVar variation 2634530 (VCV002634530.1), dbSNP rs750148768, ClinGen allele CA3031902.

ClinVar aggregate classification (germline): Uncertain significance (1 of 4 stars; one submission).

Conditions:
TET2-related disorder. Also called: TET2-related condition.

Allele frequency attached by ClinVar (database versions not stated): TOPMed 0.00002; gnomAD 0.00003; gnomAD exomes 0.00006; ExAC 0.00007.
gnomAD v4.1: 88 of 1,613,940 alleles (0.0055%); highest among the groups gnomAD compares: Non-Finnish European, 0.0073%; no homozygotes.

Submission:

PreventionGenetics, part of Exact Sciences
Classification: Uncertain significance for TET2-related condition. Last evaluated: 2023-03-22. Review status: criteria provided, single submitter. Criteria: ACMG Guidelines, 2015. Collection method: clinical testing. Allele origin: germline.
Comment: The TET2 c.2551C>T variant is predicted to result in the amino acid substitution p.Pro851Ser. To our knowledge, this variant has not been reported in the literature. This variant is reported in 0.0080% of alleles in individuals of European (Non-Finnish) descent in gnomAD. At this time, the clinical significance of this variant is uncertain due to the absence of conclusive functional and genetic evidence.